The following is an entry in ClinVar:

ClinVar aggregate classification (germline): Uncertain significance. Review status: criteria provided, multiple submitters, no conflicts (2 of 4 stars). 3 submissions from 3 submitters: Uncertain significance (3). Last evaluated 2025-03-01.

Conditions:
Inborn genetic diseases. Identifiers: MedGen C0950123, MeSH D030342.

Allele frequency attached by ClinVar (database versions not stated): TOPMed below 0.00001; gnomAD 0.00001; ExAC 0.00002; gnomAD exomes 0.00003; ESP Exome Variant Server 0.00008.
gnomAD v4.1: 49 of 1,613,698 alleles (0.003%); highest among the groups gnomAD compares: Non-Finnish European, 0.004%; no homozygotes.

Submissions (3):

Ambry Genetics
Classification: Uncertain significance for Inborn genetic diseases. Last evaluated: 2025-03-01. Review status: criteria provided, single submitter. Criteria: Ambry Variant Classification Scheme 2023. Collection method: clinical testing. Allele origin: germline.
Comment: The p.L326F variant (also known as c.978G>T), located in coding exon 8 of the SLC12A6 gene, results from a G to T substitution at nucleotide position 978. The leucine at codon 326 is replaced by phenylalanine, an amino acid with highly similar properties. This amino acid position is conserved. In addition, this alteration is predicted to be deleterious by in silico analysis. Based on the available evidence, the clinical significance of this variant remains unclear.

Labcorp Genetics (formerly Invitae), Labcorp
Classification: Uncertain significance. Last evaluated: 2024-08-14. Review status: criteria provided, single submitter. Criteria: Invitae Variant Classification Sherloc (09022015). Collection method: clinical testing. Allele origin: germline.
Comment: This sequence change replaces leucine, which is neutral and non-polar, with phenylalanine, which is neutral and non-polar, at codon 326 of the SLC12A6 protein (p.Leu326Phe). This variant is present in population databases (rs375869596, gnomAD 0.002%). This variant has not been reported in the literature in individuals affected with SLC12A6-related conditions. Invitae Evidence Modeling of protein sequence and biophysical properties (such as structural, functional, and spatial information, amino acid conservation, physicochemical variation, residue mobility, and thermodynamic stability) has been performed for this missense variant. However, the output from this modeling did not meet the statistical confidence thresholds required to predict the impact of this variant on SLC12A6 protein function. In summary, the available evidence is currently insufficient to determine the role of this variant in disease. Therefore, it has been classified as a Variant of Uncertain Significance.

Mayo Clinic Laboratories, Mayo Clinic
Classification: Uncertain significance. Last evaluated: 2023-03-28. Review status: criteria provided, single submitter. Criteria: ACMG Guidelines, 2015. Collection method: clinical testing. Allele origin: germline. Observed: 1 variant allele.
Comment: PP3

NM_001365088.1(SLC12A6):c.978G>T (p.Leu326Phe)

Gene: SLC12A6 (solute carrier family 12 member 6; minus strand). Cytogenetic location: 15q14.
Variant type: single nucleotide variant.
Coding change: c.978G>T on transcript NM_001365088.1 (MANE Select); coding-DNA position 978, G replaced by T.
Protein change: p.Leu326Phe; replaces leucine 326 with phenylalanine.
Molecular consequence: missense variant.
Genome position (GRCh38, 1-based): chr15:34,254,488, C>A on the plus strand (G>T on the coding strand, the complement: SLC12A6 is on the minus strand). VCF-style: chr15-34254488-C-A. GRCh37 (hg19) VCF-style: chr15-34546689-C-A.
Other names: p.Leu326Phe; c.801G>T, p.Leu267Phe (NM_001042494.2, NM_001042495.2); c.951G>T, p.Leu317Phe (NM_001042496.2); c.933G>T, p.Leu311Phe (NM_001042497.2); c.825G>T, p.Leu275Phe (NM_005135.2); c.978G>T, p.Leu326Phe (NM_133647.2); short protein forms L267F, L275F, L311F, L317F, L326F.
Identifiers: ClinVar variation 2683286 (VCV002683286.3), dbSNP rs375869596, ClinGen allele CA7464429.
Genomic context (GRCh38, chr15:34,254,488, plus strand): 5'-AAGTGAGGCAAACTTGTTCACATAGCGTACGCCGATAAATACCACTAATACCATAAGGAC[C>A]AAGAAAGCTGTGCCGTAGACACGCATGTTATTTAGCATGGCTGCTGATTCCTTGAGTGCG-3'
Protein context (NP_001352017.1, residues 316-336): NNMRVYGTAF[Leu326Phe]VLMVLVVFIG